The following is an entry in ClinVar:

GRCh37/hg19 17p13.3(chr17:1225474-2201587)x1

Genes: SMYD4 (SET and MYND domain containing 4; minus strand), TLCD2 (TLC domain containing 2; minus strand), WDR81 (WD repeat domain 81; plus strand), HIC1 (HIC ZBTB transcriptional repressor 1; plus strand), CRK (CRK proto-oncogene, adaptor protein; minus strand) and 18 more. Cytogenetic location: 17p13.3.
Variant type: copy number loss.
Change: copy number 1 (one copy instead of two) of chr17:1,225,474-2,201,587 (976.1 kb, GRCh37 coordinates, 1-based), cytogenetic band 17p13.3.
Identifiers: ClinVar variation 2685591 (VCV002685591.1).

ClinVar aggregate classification (germline): Likely pathogenic (1 of 4 stars; one submission).

Submission:

Quest Diagnostics Nichols Institute San Juan Capistrano
Classification: Likely pathogenic. Last evaluated: 2023-06-17. Review status: criteria provided, single submitter. Criteria: ACMG/ClinGen CNV Guidelines, 2019. Collection method: clinical testing. Allele origin: unknown.
Comment: This loss falls within the larger 17p13.3 deletion syndromic region, but does not include the gene PAFAH1B1. Hemizygous deletions comparable to the current interval have been reported in association with a variable, and milder, phenotype of Miller-Dieker syndrome (Bruno 2010, Chen 2018, Denomme-Pichon 2023, Firth 2009, Nagamani 2009, Noor 2018, Uchiyama 2021). There are no similar copy number losses of this region in the general populations of the Database of Genomic Variants. Therefore, based on current medical literature, this copy number variant (CNV) is classified as likely pathogenic. References: Bruno et al., J Med Genet. 2010 May;47(5):299-311. PMID: 20452996 Chen et al., Taiwan J Obstet Gynecol. 2018 Feb;57(1):128-132. PMID: 29458882 Denomme-Pichon et al., Genet Med. 2023 Mar 28;25(7):100835. PMID: 36999555 Firth et al., Am J Hum Genet. 2009 Apr;84(4):524-33. PMID: 19344873 Nagamani et al., J Med Genet. 2009 Dec;46(12):825-33. PMID: 19584063 Noor et al., Clin Genet. 2018 Feb;93(2):365-367. PMID: 28542865 Rehm et al., N Engl J Med. 2015 Jun 4;372(23):2235-42. PMID: 26014595 Uchiyama et al., Hum Mutat. 2021 Jan;42(1):50-65. PMID: 33131168